The following is an entry in ClinVar:

NM_000051.4(ATM):c.3493A>G (p.Ser1165Gly)

Gene: ATM (ATM serine/threonine kinase; plus strand). Cytogenetic location: 11q22.3.
Variant type: single nucleotide variant.
Coding change: c.3493A>G on transcript NM_000051.4 (MANE Select); coding-DNA position 3493, A replaced by G.
Protein change: p.Ser1165Gly; replaces serine 1165 with glycine.
Molecular consequence: missense variant.
Genome position (GRCh38, 1-based): chr11:108,281,085, A>G. VCF-style: chr11-108281085-A-G. GRCh37 (hg19) VCF-style: chr11-108151812-A-G.
Other names: c.3493A>G, p.Ser1165Gly (NM_001351834.2); short protein forms S1165G.
Identifiers: ClinVar variation 630573 (VCV000630573.17), dbSNP rs1351059730, ClinGen allele CA382519659.

ClinVar aggregate classification (germline): Uncertain significance. Review status: criteria provided, multiple submitters, no conflicts (2 of 4 stars). 5 submissions from 5 submitters: Uncertain significance (4). 1 of the submissions does not count toward it. Last evaluated 2025-10-23.

Conditions:
Ataxia-telangiectasia syndrome (AT). Also called: Ataxia-telangiectasia, complementation group D; AT, COMPLEMENTATION GROUP C; Ataxia-telangiectasia; ATAXIA-TELANGIECTASIA, COMPLEMENTATION GROUP A; ATAXIA-TELANGIECTASIA, FRESNO VARIANT; LOUIS-BAR SYNDROME. Identifiers: Orphanet 100, MedGen C0004135, MONDO:0008840, OMIM 208900.
Hereditary cancer-predisposing syndrome. Also called: Hereditary Cancer Syndrome; Neoplastic Syndromes, Hereditary; Tumor predisposition; Hereditary neoplastic syndrome. Identifiers: Orphanet 140162, MedGen C0027672, MeSH D009386, MONDO:0015356.

Allele frequency attached by ClinVar (database versions not stated): gnomAD exomes below 0.00001; gnomAD 0.00001.
gnomAD v4.1: 7 of 1,613,958 alleles (0.00043%); highest among the groups gnomAD compares: South Asian, 0.0077%; no homozygotes.

Submissions (5):

Labcorp Genetics (formerly Invitae), Labcorp
Classification: Uncertain significance for Ataxia-telangiectasia syndrome. Last evaluated: 2025-10-23. Review status: criteria provided, single submitter. Criteria: Invitae Variant Classification Sherloc (09022015). Collection method: clinical testing. Allele origin: germline.
Comment: This sequence change replaces serine, which is neutral and polar, with glycine, which is neutral and non-polar, at codon 1165 of the ATM protein (p.Ser1165Gly). This variant is present in population databases (no rsID available, gnomAD 0.003%). This variant has not been reported in the literature in individuals affected with ATM-related conditions. ClinVar contains an entry for this variant (Variation ID: 630573). Invitae Evidence Modeling of protein sequence and biophysical properties (such as structural, functional, and spatial information, amino acid conservation, physicochemical variation, residue mobility, and thermodynamic stability) has been performed for this missense variant. However, the output from this modeling did not meet the statistical confidence thresholds required to predict the impact of this variant on ATM protein function. RNA analysis performed to evaluate the impact of this missense change on mRNA splicing indicates it does not significantly alter splicing (internal data). In summary, the available evidence is currently insufficient to determine the role of this variant in disease. Therefore, it has been classified as a Variant of Uncertain Significance.

Ambry Genetics
Classification: Uncertain significance for Hereditary cancer-predisposing syndrome. Last evaluated: 2025-03-05. Review status: criteria provided, single submitter. Criteria: Ambry Variant Classification Scheme 2023. Collection method: clinical testing. Allele origin: germline.
Comment: The p.S1165G variant (also known as c.3493A>G), located in coding exon 23 of the ATM gene, results from an A to G substitution at nucleotide position 3493. The serine at codon 1165 is replaced by glycine, an amino acid with similar properties. This amino acid position is highly conserved in available vertebrate species. In addition, this alteration is predicted to be deleterious by in silico analysis. Based on the available evidence, the clinical significance of this variant remains unclear.

Color Diagnostics, LLC DBA Color Health
Classification: Uncertain significance for Hereditary cancer-predisposing syndrome. Last evaluated: 2024-03-07. Review status: criteria provided, single submitter. Criteria: ACMG Guidelines, 2015. Collection method: clinical testing. Allele origin: germline.
Comment: This missense variant replaces serine with glycine at codon 1165 of the ATM protein. Computational prediction is inconclusive regarding the impact of this variant on protein structure and function (internally defined REVEL score threshold 0.5 < inconclusive < 0.7, PMID: 27666373). To our knowledge, functional studies have not been reported for this variant. This variant has not been reported in individuals affected with ATM-related disorders in the literature. This variant has been identified in 1/251374 chromosomes in the general population by the Genome Aggregation Database (gnomAD). The available evidence is insufficient to determine the role of this variant in disease conclusively. Therefore, this variant is classified as a Variant of Uncertain Significance.

GeneDx
Classification: Uncertain significance. Last evaluated: 2022-09-02. Review status: criteria provided, single submitter. Criteria: GeneDx Variant Classification Process June 2021. Collection method: clinical testing. Allele origin: germline. Affected: yes.
Comment: Not observed at significant frequency in large population cohorts (gnomAD); In silico analysis supports that this missense variant has a deleterious effect on protein structure/function; Has not been previously published as pathogenic or benign to our knowledge; This variant is associated with the following publications: (PMID: 19781682)

Natera, Inc.
Classification: Uncertain significance for Ataxia-telangiectasia. Last evaluated: 2020-09-03. Review status: no assertion criteria provided. Collection method: clinical testing. Allele origin: germline. Not counted in ClinVar's aggregate classification.